The following is an entry in ClinVar:

NM_001267550.2(TTN):c.1537-53T>G

Gene: TTN (titin; minus strand). Cytogenetic location: 2q31.2.
Variant type: single nucleotide variant.
Coding change: c.1537-53T>G on transcript NM_001267550.2 (MANE Select); 53 bases into the intron before coding-DNA position 1537, T replaced by G.
Molecular consequence: intron variant.
Genome position (GRCh38, 1-based): chr2:178,792,250, A>C on the plus strand (T>G on the coding strand, the complement: TTN is on the minus strand). VCF-style: chr2-178792250-A-C. GRCh37 (hg19) VCF-style: chr2-179656977-A-C.
Other names: c.1537-53T>G (NM_001256850.1, NM_003319.4, NM_133437.4 and 3 more transcripts).
Identifiers: ClinVar variation 674653 (VCV000674653.2), dbSNP rs72647853, ClinGen allele CA60985700.

ClinVar aggregate classification (germline): Likely benign. Review status: criteria provided, multiple submitters, no conflicts (2 of 4 stars). 2 submissions from 2 submitters: Likely benign (2). Last evaluated 2018-06-15.

Allele frequency attached by ClinVar (database versions not stated): TOPMed 0.00710; gnomAD 0.00804 and 0.00837; 1000 Genomes Project 0.00958; 1000 Genomes Project 30x 0.00968.
gnomAD v4.1: 14,565 of 1,546,836 alleles (0.94%); highest among the groups gnomAD compares: South Asian, 1.5%; 84 homozygotes.

Submissions (2):

GeneDx
Classification: Likely benign. Last evaluated: 2018-06-15. Review status: criteria provided, single submitter. Criteria: GeneDx Variant Classification (06012015). Collection method: clinical testing. Allele origin: germline. Affected: yes.
Comment: This variant is considered likely benign or benign based on one or more of the following criteria: it is a conservative change, it occurs at a poorly conserved position in the protein, it is predicted to be benign by multiple in silico algorithms, and/or has population frequency not consistent with disease.

Breakthrough Genomics
Classification: Likely benign. Review status: criteria provided, single submitter. Criteria: ACMG Guidelines, 2015. Collection method: not provided. Allele origin: germline. Inheritance: Autosomal recessive inheritance. Affected: yes.